The following is an entry in ClinVar:

NM_001253.4(CDC5L):c.1808_1816del (p.Val603_Phe605del)

Gene: CDC5L (cell division cycle 5 like; plus strand). Cytogenetic location: 6p21.1.
Variant type: Deletion.
Coding change: c.1808_1816del on transcript NM_001253.4 (MANE Select); coding-DNA positions 1808 to 1816, 9 bases deleted (TAGGGTTTG; older notation c.1808_1816delTAGGGTTTG).
Protein change: p.Val603_Phe605del.
Molecular consequence: inframe deletion.
Genome position (GRCh38, 1-based): chr6:44,426,639-44,426,647, TAGGGTTTG deleted; deleting any 9 consecutive bases within chr6:44,426,637-44,426,647 gives the same sequence; the c. name uses the placement nearest the transcript's 3' end. VCF-style (leftmost placement, unchanged base first): chr6-44426636-CTGTAGGGTT-C. GRCh37 (hg19) VCF-style: chr6-44394373-CTGTAGGGTT-C.
Identifiers: ClinVar variation 5001079 (VCV005001079.1).

ClinVar aggregate classification (germline): Uncertain significance (1 of 4 stars; one submission).

Conditions:
CDC5L-related disorder. Also called: CDC5L-related condition.

Submission:

PreventionGenetics, part of Exact Sciences
Classification: Uncertain significance for CDC5L-related condition. Last evaluated: 2025-06-10. Review status: criteria provided, single submitter. Criteria: ACMG Guidelines, 2015. Collection method: clinical testing. Allele origin: germline.
Comment: The CDC5L c.1808_1816del9 variant is predicted to result in an in-frame deletion (p.Val603_Phe605del). To our knowledge, this variant has not been reported in the literature or in a large population database (gnomAD), indicating this variant is rare. At this time, the clinical significance of this variant is uncertain due to the absence of conclusive functional and genetic evidence.